The following is an entry in ClinVar:

ClinVar aggregate classification (germline): Pathogenic (1 of 4 stars; one submission).

Conditions:
PURA-related severe neonatal hypotonia-seizures-encephalopathy syndrome (NEDRIHF). Also called: PURA-Related Neurodevelopmental Disorders; NEURODEVELOPMENTAL DISORDER WITH NEONATAL RESPIRATORY INSUFFICIENCY, HYPOTONIA, AND FEEDING DIFFICULTIES. Identifiers: Orphanet 438213, Orphanet 438216, MedGen C4015357, MONDO:1060108, OMIM 616158, MONDO:0018580.

Submission:

Labcorp Genetics (formerly Invitae), Labcorp
Classification: Pathogenic for PURA-related severe neonatal hypotonia-seizures-encephalopathy syndrome. Last evaluated: 2018-05-12. Review status: criteria provided, single submitter. Criteria: Invitae Variant Classification Sherloc (09022015). Collection method: clinical testing. Allele origin: germline.
Comment: For these reasons, this variant has been classified as Pathogenic. This variant has not been reported in the literature in individuals with PURA-related disease. A different truncation (p.Asp207Thrfs*16) that lies downstream of this variant has been determined to be pathogenic (Invitae). This suggests that deletion of this region of the PURA protein is causative of disease. This variant is not present in population databases (ExAC no frequency). This sequence change results in a premature translational stop signal in the PURA gene (p.Gln128Profs*73). While this is not anticipated to result in nonsense mediated decay, it is expected to disrupt the last 196 amino acids of the PURA protein.

NM_005859.5(PURA):c.382dup (p.Gln128fs)

Genes: PURA (purine rich element binding protein A; plus strand), LOC129994826 (ATAC-STARR-seq lymphoblastoid active region 23260; plus strand). Cytogenetic location: 5q31.3.
Variant type: Duplication.
Coding change: c.382dup on transcript NM_005859.5 (MANE Select); coding-DNA position 382, one base duplicated (C; older notation c.382dupC).
Protein change: p.Gln128fs; shifts the reading frame from glutamine 128.
Molecular consequence: frameshift variant.
Genome position (GRCh38, 1-based): chr5:140,114,563, C duplicated; the last of 2 consecutive C bases (chr5:140,114,562-140,114,563); duplicating either gives the same sequence. VCF-style (leftmost placement, unchanged base first): chr5-140114561-G-GC. GRCh37 (hg19) VCF-style: chr5-139494146-G-GC.
Other names: c.382dupC (NM_005859.4); short protein forms Q128fs.
Identifiers: ClinVar variation 579296 (VCV000579296.9), dbSNP rs1561793211, ClinGen allele CA891843399.
Genomic context (GRCh38, chr5:140,114,561, plus strand): 5'-CCGTGGAGTTCCGCGACTACCTGGGCGACTTCATCGAGCACTACGCGCAGCTGGGCCCCA[G>GC]CCAGCCGCCGGACCTGGCCCAGGCGCAGGACGAGCCGCGCCGGGCGCTCAAAAGCGAGTT-3'